The following is an entry in ClinVar:

NM_020831.6(MRTFA):c.1711A>G (p.Thr571Ala)

Gene: MRTFA (myocardin related transcription factor A; minus strand). Cytogenetic location: 22q13.1.
Variant type: single nucleotide variant.
Coding change: c.1711A>G on transcript NM_020831.6 (MANE Select); coding-DNA position 1711, A replaced by G.
Protein change: p.Thr571Ala; replaces threonine 571 with alanine.
Molecular consequence: missense variant.
Genome position (GRCh38, 1-based): chr22:40,419,027, T>C on the plus strand (A>G on the coding strand, the complement: MRTFA is on the minus strand). VCF-style: chr22-40419027-T-C. GRCh37 (hg19) VCF-style: chr22-40815031-T-C.
Other names: c.1411A>G, p.Thr471Ala (NM_001282660.2); c.1561A>G, p.Thr521Ala (NM_001282661.3); c.1711A>G, p.Thr571Ala (NM_001282662.3); c.1516A>G, p.Thr506Ala (NM_001318139.2); c.1411A>G (NM_020831.3); short protein forms T471A, T506A, T571A, T521A.
Identifiers: ClinVar variation 2906545 (VCV002906545.4), dbSNP rs774628848, ClinGen allele CA10249579.

ClinVar aggregate classification (germline): Uncertain significance. Review status: criteria provided, multiple submitters, no conflicts (2 of 4 stars). 2 submissions from 2 submitters: Uncertain significance (2). Last evaluated 2025-11-02.

Allele frequency attached by ClinVar (database versions not stated): gnomAD exomes below 0.00001; TOPMed 0.00001; ExAC 0.00002.
gnomAD v4.1: 3 of 1,610,602 alleles (0.00019%); highest among the groups gnomAD compares: East Asian, 0.0045%; no homozygotes.

Submissions (2):

Ambry Genetics
Classification: Uncertain significance. Last evaluated: 2025-11-02. Review status: criteria provided, single submitter. Criteria: Ambry Variant Classification Scheme 2023. Collection method: clinical testing. Allele origin: germline.

Labcorp Genetics (formerly Invitae), Labcorp
Classification: Uncertain significance. Last evaluated: 2023-01-18. Review status: criteria provided, single submitter. Criteria: Invitae Variant Classification Sherloc (09022015). Collection method: clinical testing. Allele origin: germline.
Comment: In summary, the available evidence is currently insufficient to determine the role of this variant in disease. Therefore, it has been classified as a Variant of Uncertain Significance. Algorithms developed to predict the effect of missense changes on protein structure and function are either unavailable or do not agree on the potential impact of this missense change (SIFT: "Tolerated"; PolyPhen-2: "Possibly Damaging"; Align-GVGD: "Class C0"). This variant has not been reported in the literature in individuals affected with MKL1-related conditions. This variant is present in population databases (rs774628848, gnomAD 0.03%). This sequence change replaces threonine, which is neutral and polar, with alanine, which is neutral and non-polar, at codon 471 of the MKL1 protein (p.Thr471Ala).